The following is an entry in ClinVar:

NM_014822.4(SEC24D):c.2168_2169delinsAA (p.Cys723Ter)

Gene: SEC24D (SEC24 homolog D, COPII component; minus strand). Cytogenetic location: 4q26.
Variant type: Indel.
Coding change: c.2168_2169delinsAA on transcript NM_014822.4 (MANE Select); coding-DNA positions 2168 to 2169, GT replaced by AA.
Protein change: p.Cys723Ter; replaces cysteine 723 with a stop codon.
Molecular consequence: nonsense.
Genome position (GRCh38, 1-based): chr4:118,740,732-118,740,733, AC replaced by TT on the plus strand (GT replaced by AA on the coding strand, the reverse complement: SEC24D is on the minus strand). VCF-style: chr4-118740732-AC-TT. GRCh37 (hg19) VCF-style: chr4-119661887-AC-TT.
Other names: c.2171_2172delinsAA, p.Cys724Ter (NM_001318066.2); c.2170_2172delinsTAA (NM_001318066.2); short protein forms C723*, C724*.
Identifiers: ClinVar variation 4819376 (VCV004819376.1).

ClinVar aggregate classification (germline): Likely pathogenic (1 of 4 stars; one submission).

Conditions:
Cole-Carpenter syndrome 2 (CLCRP2). Identifiers: Orphanet 2050, MedGen C4225382, MONDO:0014573, OMIM 616294.

Submission:

Clinical Biomedical Laboratory, Shriners Hospital For Children - Canada
Classification: Likely pathogenic for Cole-Carpenter syndrome 2. Last evaluated: 2026-03-10. Review status: criteria provided, single submitter. Criteria: ACMG Guidelines, 2015. Collection method: clinical testing. Allele origin: germline. Affected: yes.
Comment: The variant creates a premature stop signal p.Asp724Ter in SEC24D. In the Genome Aggregation Database (gnomAD v2.1.1) this variant is not present. Null variants in SEC24D are predicted to cause nonsense mediated decay and loss of function in the affected allele. Null variants in SEC24D are a known cause of disease. ACMG classification of this variant is likely pathogenic.